The following is an entry in ClinVar:

NM_001184.4(ATR):c.644G>C (p.Arg215Pro)

Gene: ATR (ATR checkpoint kinase; minus strand). Cytogenetic location: 3q23.
Variant type: single nucleotide variant.
Coding change: c.644G>C on transcript NM_001184.4 (MANE Select); coding-DNA position 644, G replaced by C.
Protein change: p.Arg215Pro; replaces arginine 215 with proline.
Molecular consequence: missense variant.
Genome position (GRCh38, 1-based): chr3:142,562,758, C>G on the plus strand (G>C on the coding strand, the complement: ATR is on the minus strand). VCF-style: chr3-142562758-C-G. GRCh37 (hg19) VCF-style: chr3-142281600-C-G.
Other names: c.644G>C, p.Arg215Pro (NM_001354579.2); short protein forms R215P.
Identifiers: ClinVar variation 1753599 (VCV001753599.3), dbSNP rs368507270, ClinGen allele CA354826153.

ClinVar aggregate classification (germline): Uncertain significance. Review status: criteria provided, multiple submitters, no conflicts (2 of 4 stars). 2 submissions from 2 submitters: Uncertain significance (2). Last evaluated 2025-06-14.

Conditions:
Inborn genetic diseases. Identifiers: MedGen C0950123, MeSH D030342.

gnomAD v4.1: 2 of 1,611,912 alleles (0.00012%); highest among the groups gnomAD compares: South Asian, 0.0022%; no homozygotes.

Submissions (2):

Labcorp Genetics (formerly Invitae), Labcorp
Classification: Uncertain significance. Last evaluated: 2025-06-14. Review status: criteria provided, single submitter. Criteria: Invitae Variant Classification Sherloc (09022015). Collection method: clinical testing. Allele origin: germline.
Comment: This sequence change replaces arginine, which is basic and polar, with proline, which is neutral and non-polar, at codon 215 of the ATR protein (p.Arg215Pro). This variant is not present in population databases (gnomAD no frequency). This variant has not been reported in the literature in individuals affected with ATR-related conditions. ClinVar contains an entry for this variant (Variation ID: 1753599). An algorithm developed to predict the effect of missense changes on protein structure and function (PolyPhen-2) suggests that this variant is likely to be tolerated. In summary, the available evidence is currently insufficient to determine the role of this variant in disease. Therefore, it has been classified as a Variant of Uncertain Significance.

Ambry Genetics
Classification: Uncertain significance for Inborn genetic diseases. Last evaluated: 2022-02-26. Review status: criteria provided, single submitter. Criteria: Ambry Variant Classification Scheme 2023. Collection method: clinical testing. Allele origin: germline.
Comment: The p.R215P variant (also known as c.644G>C), located in coding exon 4 of the ATR gene, results from a G to C substitution at nucleotide position 644. The arginine at codon 215 is replaced by proline, an amino acid with dissimilar properties. This amino acid position is conserved. In addition, the in silico prediction for this alteration is inconclusive. Since supporting evidence is limited at this time, the clinical significance of this alteration remains unclear.